The following is an entry in ClinVar:

NC_000017.10:g.(79805224_79813017)_(79818412_?)del

Gene: P4HB (prolyl 4-hydroxylase subunit beta; minus strand). Cytogenetic location: 17q25.3.
Variant type: Deletion.
Identifiers: ClinVar variation 3769233 (VCV003769233.2).

ClinVar aggregate classification (germline): Uncertain significance (1 of 4 stars; one submission).

Submission:

Women's Health and Genetics/Laboratory Corporation of America, LabCorp
Classification: Uncertain significance. Last evaluated: 2025-01-07. Review status: criteria provided, single submitter. Criteria: LabCorp Variant Classification Summary - May 2015. Collection method: clinical testing. Allele origin: germline.
Comment: Variant summary: The variant involves the deletion of exons 1-4 in the P4HB gene. A presumed nomenclature of c.(?_-65)_(624+1_625-1)del has been designated for the purposes of this classification. The exact breakpoint at the 5' end of this variant is unknown, therefore this deletion may extend upstream of the annotated region of this gene. Although the exact breakpoints of this deletion are not known, it is predicted to remove the initiation codon and result in an absence of protein or a truncation of the encoded protein due to translation initiation at a downstream site. However, current evidence is not sufficient to establish loss of function as a mechanism for disease. The variant was absent in 20720 control chromosomes. The available data on variant occurrences in the general population are insufficient to allow any conclusion about variant significance. To our knowledge, no occurrence of c.(?_-65)_(624+1_625-1)del in individuals affected with Cole-Carpenter Syndrome 1 and no experimental evidence demonstrating its impact on protein function have been reported. No submitters have cited clinical-significance assessments for this variant to ClinVar. Based on the evidence outlined above, the variant was classified as uncertain significance.